The following is an entry in ClinVar:

ClinVar aggregate classification (germline): Uncertain significance (1 of 4 stars; one submission).

Conditions:
TRPC5-related disorder. Also called: TRPC5-related condition.

gnomAD v4.1: 10 of 1,192,318 alleles (0.00084%); highest among the groups gnomAD compares: Non-Finnish European, 0.0011%; no homozygotes.

Submission:

PreventionGenetics, part of Exact Sciences
Classification: Uncertain significance for TRPC5-related condition. Last evaluated: 2025-08-14. Review status: criteria provided, single submitter. Criteria: ACMG Guidelines, 2015. Collection method: clinical testing. Allele origin: germline.
Comment: The TRPC5 c.382C>T variant is predicted to result in the amino acid substitution p.Pro128Ser. To our knowledge, this variant has not been reported in the literature. This variant is reported in 0.0034% of alleles in individuals of European (Non-Finnish) descent in gnomAD. At this time, the clinical significance of this variant is uncertain due to the absence of conclusive functional and genetic evidence.

NM_012471.3(TRPC5):c.382C>T (p.Pro128Ser)

Gene: TRPC5 (transient receptor potential cation channel subfamily C member 5; minus strand). Cytogenetic location: Xq23.
Variant type: single nucleotide variant.
Coding change: c.382C>T on transcript NM_012471.3 (MANE Select); coding-DNA position 382, C replaced by T.
Protein change: p.Pro128Ser; replaces proline 128 with serine.
Molecular consequence: missense variant.
Genome position (GRCh38, 1-based): chrX:111,912,809, G>A on the plus strand (C>T on the coding strand, the complement: TRPC5 is on the minus strand). VCF-style: chrX-111912809-G-A. GRCh37 (hg19) VCF-style: chrX-111156037-G-A.
Other names: short protein forms P128S.
Identifiers: ClinVar variation 4979874 (VCV004979874.1).